The following is an entry in ClinVar:

ClinVar aggregate classification (germline): Likely benign. Review status: criteria provided, single submitter (1 of 4 stars). 2 submissions from 2 submitters: Likely benign (1). 1 of the submissions does not count toward it. Last evaluated 2024-09-11.

Conditions:
Inborn genetic diseases. Identifiers: MedGen C0950123, MeSH D030342.
PKD1-related disorder. Also called: PKD1-related condition.

Allele frequency attached by ClinVar (database versions not stated): 1000 Genomes Project 30x 0.00062; 1000 Genomes Project 0.00080.
gnomAD v4.1: 106 of 1,556,710 alleles (0.0068%); highest among the groups gnomAD compares: East Asian, 0.15%; no homozygotes.

Submissions (2):

Ambry Genetics
Classification: Likely benign for Inborn genetic diseases. Last evaluated: 2024-09-11. Review status: criteria provided, single submitter. Criteria: Ambry Variant Classification Scheme 2023. Collection method: clinical testing. Allele origin: germline.

PreventionGenetics, part of Exact Sciences
Classification: Likely benign for PKD1-related condition. Last evaluated: 2022-06-12. Review status: no assertion criteria provided. Collection method: clinical testing. Allele origin: germline. Not counted in ClinVar's aggregate classification.
Comment: This variant is classified as likely benign based on ACMG/AMP sequence variant interpretation guidelines (Richards et al. 2015 PMID: 25741868, with internal and published modifications).

NM_001009944.3(PKD1):c.9115C>A (p.Arg3039Ser)

Gene: PKD1 (polycystin 1, transient receptor potential channel interacting; minus strand). Cytogenetic location: 16p13.3.
Variant type: single nucleotide variant.
Coding change: c.9115C>A on transcript NM_001009944.3 (MANE Select); coding-DNA position 9115, C replaced by A.
Protein change: p.Arg3039Ser; replaces arginine 3039 with serine.
Molecular consequence: missense variant.
Genome position (GRCh38, 1-based): chr16:2,102,467, G>T on the plus strand (C>A on the coding strand, the complement: PKD1 is on the minus strand). VCF-style: chr16-2102467-G-T. GRCh37 (hg19) VCF-style: chr16-2152468-G-T.
Other names: c.9115C>A, p.Arg3039Ser (NM_000296.4); c.9115C>A (NM_000296.3); short protein forms R3039S.
Identifiers: ClinVar variation 3030323 (VCV003030323.3), dbSNP rs200522524, ClinGen allele CA7830190.